The following is an entry in ClinVar:

NM_005911.6(MAT2A):c.315C>T (p.Asn105=)

Genes: GGCX (gamma-glutamyl carboxylase; minus strand), MAT2A (methionine adenosyltransferase 2A; plus strand). Cytogenetic location: 2p11.2.
Variant type: single nucleotide variant.
Coding change: c.315C>T on transcript NM_005911.6 (MANE Select); coding-DNA position 315, C replaced by T.
Protein change: p.Asn105=; no amino-acid change (asparagine 105 retained).
Molecular consequence: synonymous variant.
Genome position (GRCh38, 1-based): chr2:85,541,655, C>T. VCF-style: chr2-85541655-C-T. GRCh37 (hg19) VCF-style: chr2-85768778-C-T.
Other names: c.315C>T (NM_005911.5).
Identifiers: ClinVar variation 1080932 (VCV001080932.35), dbSNP rs974451464, ClinGen allele CA51725117.

ClinVar aggregate classification (germline): Likely benign. Review status: criteria provided, multiple submitters, no conflicts (2 of 4 stars). 4 submissions from 4 submitters: Likely benign (4). Last evaluated 2025-01-06.

Conditions:
Cardiovascular phenotype. Identifiers: MedGen CN230736.
Familial thoracic aortic aneurysm and aortic dissection (TAAD). Also called: Thoracic aortic aneurysms and dissections. Identifiers: Orphanet 91387, MedGen C4707243, MONDO:0019625.

Allele frequency attached by ClinVar (database versions not stated): gnomAD 0.00001 and 0.00002; gnomAD exomes 0.00001; TOPMed 0.00001.
gnomAD v4.1: 19 of 1,609,768 alleles (0.0012%); highest among the groups gnomAD compares: East Asian, 0.0022%; no homozygotes.

Submissions (4):

Labcorp Genetics (formerly Invitae), Labcorp
Classification: Likely benign for Familial thoracic aortic aneurysm and aortic dissection. Last evaluated: 2025-01-06. Review status: criteria provided, single submitter. Criteria: Invitae Variant Classification Sherloc (09022015). Collection method: clinical testing. Allele origin: germline.

Ambry Genetics
Classification: Likely benign for Cardiovascular phenotype. Last evaluated: 2023-11-21. Review status: criteria provided, single submitter. Criteria: Ambry Variant Classification Scheme 2023. Collection method: clinical testing. Allele origin: germline.

CeGaT Center for Human Genetics Tuebingen
Classification: Likely benign. Last evaluated: 2023-08-01. Review status: criteria provided, single submitter. Criteria: CeGaT Center For Human Genetics Tuebingen Variant Classification Criteria Version 2. Collection method: clinical testing. Allele origin: germline. Affected: yes. Observed: 1 variant allele.
Comment: MAT2A: BP4

Blueprint Genetics
Classification: Likely benign. Last evaluated: 2022-07-25. Review status: criteria provided, single submitter. Criteria: ACMG Guidelines, 2015. Collection method: clinical testing. Allele origin: germline.